The following is an entry in ClinVar:

ClinVar aggregate classification (germline): Benign. Review status: criteria provided, multiple submitters, no conflicts (2 of 4 stars). 2 submissions from 2 submitters: Benign (2). Last evaluated 2018-01-12.

Conditions:
Acrodysostosis 2 with or without hormone resistance. Also called: ACRODYSOSTOSIS 2 WITH HORMONE RESISTANCE; ACRODYSOSTOSIS 2 WITHOUT HORMONE RESISTANCE. Identifiers: Orphanet 280651, MedGen C3553250, MONDO:0013822, OMIM 614613.

Allele frequency attached by ClinVar (database versions not stated): 1000 Genomes Project 30x 0.64475; 1000 Genomes Project 0.64736; gnomAD exomes 0.64815; TOPMed 0.66527.
gnomAD v4.1: 100,079 of 152,336 alleles (66%); highest among the groups gnomAD compares: Middle Eastern, 74%; 32,969 homozygotes.

Submissions (2):

Illumina Laboratory Services, Illumina
Classification: Benign for Acrodysostosis 2 with or without hormone resistance. Last evaluated: 2018-01-12. Review status: criteria provided, single submitter. Criteria: ICSL Variant Classification Criteria 13 December 2019. Collection method: clinical testing. Allele origin: germline.
Comment: This variant was observed in the ICSL laboratory as part of a predisposition screen in an ostensibly healthy population. It had not been previously curated by ICSL or reported in the Human Gene Mutation Database (HGMD: prior to June 1st, 2018), and was therefore a candidate for classification through an automated scoring system. Utilizing variant allele frequency, disease prevalence and penetrance estimates, and inheritance mode, an automated score was calculated to assess if this variant is too frequent to cause the disease. Based on the score and internal cut-off values, a variant classified as benign is not then subjected to further curation. The score for this variant resulted in a classification of benign for this disease.

Breakthrough Genomics
Classification: Benign. Review status: criteria provided, single submitter. Criteria: ACMG Guidelines, 2015. Collection method: not provided. Allele origin: germline. Inheritance: Autosomal dominant inheritance. Affected: yes.

NM_001104631.2(PDE4D):c.*2768T>G

Gene: PDE4D (phosphodiesterase 4D; minus strand). Cytogenetic location: 5q11.2.
Variant type: single nucleotide variant.
Coding change: c.*2768T>G on transcript NM_001104631.2 (MANE Select); 2768 bases downstream of the stop codon, T replaced by G.
Molecular consequence: 3 prime UTR variant.
Genome position (GRCh38, 1-based): chr5:58,971,896, A>C on the plus strand (T>G on the coding strand, the complement: PDE4D is on the minus strand). VCF-style: chr5-58971896-A-C. GRCh37 (hg19) VCF-style: chr5-58267723-A-C.
Other names: c.*2768T>G (NM_001165899.2, NM_001197218.2, NM_001197219.2 and 11 more transcripts).
Identifiers: ClinVar variation 353937 (VCV000353937.6), dbSNP rs702531, ClinGen allele CA10625003.